The following is an entry in ClinVar:

NM_000051.4(ATM):c.5012T>A (p.Val1671Asp)

Gene: ATM (ATM serine/threonine kinase; plus strand). Cytogenetic location: 11q22.3.
Variant type: single nucleotide variant.
Coding change: c.5012T>A on transcript NM_000051.4 (MANE Select); coding-DNA position 5012, T replaced by A.
Protein change: p.Val1671Asp; replaces valine 1671 with aspartic acid.
Molecular consequence: missense variant.
Genome position (GRCh38, 1-based): chr11:108,299,720, T>A. VCF-style: chr11-108299720-T-A. GRCh37 (hg19) VCF-style: chr11-108170447-T-A.
Other names: c.5012T>A, p.Val1671Asp (NM_001351834.2); short protein forms V1671D.
Identifiers: ClinVar variation 4866713 (VCV004866713.1).
Genomic context (GRCh38, chr11:108,299,720, plus strand): 5'-TTTATGTATGATCTCTTACCTATGACTCTACTGAAATAGAATTTCTATATGTAGAGGCTG[T>A]TGGAAGCTGCTTGGGAGAAGTGGGTCCTATAGATTTCTCTACCATAGCTATACAACATAG-3'
Protein context (NP_000042.3, residues 1661-1681): HTGEKEVLEA[Val1671Asp]GSCLGEVGPI

ClinVar aggregate classification (germline): Uncertain significance (1 of 4 stars; one submission).

Conditions:
Hereditary cancer-predisposing syndrome. Also called: Neoplastic Syndromes, Hereditary; Tumor predisposition; Hereditary Cancer Syndrome; Hereditary neoplastic syndrome. Identifiers: Orphanet 140162, MedGen C0027672, MeSH D009386, MONDO:0015356.

Submission:

Ambry Genetics
Classification: Uncertain significance for Hereditary cancer-predisposing syndrome. Last evaluated: 2026-05-11. Review status: criteria provided, single submitter. Criteria: Ambry Variant Classification Scheme 2023. Collection method: clinical testing. Allele origin: germline.
Comment: The p.V1671D variant (also known as c.5012T>A), located in coding exon 33 of the ATM gene, results from a T to A substitution at nucleotide position 5012. The valine at codon 1671 is replaced by aspartic acid, an amino acid with highly dissimilar properties. In an assay testing ATM function, this variant showed a functionally abnormal result (Lee KS et al. Cell, 2025 Sep;188:5081-5099.e27). This amino acid position is well conserved in available vertebrate species. In addition, this alteration is predicted to be deleterious by in silico analysis. Based on the available evidence, the clinical significance of this variant remains unclear.

Literature cited by the submitters: PubMed 40580951.